The following is an entry in ClinVar:

ClinVar aggregate classification (germline): Uncertain significance (1 of 4 stars; one submission).

Conditions:
Pilarowski-Bjornsson syndrome. Also called: DEVELOPMENTAL DELAY AND SPEECH APRAXIA WITH OR WITHOUT SEIZURES. Identifiers: Orphanet 529965, MedGen C4540131, MONDO:0060568, OMIM 617682.

Allele frequency attached by ClinVar (database versions not stated): gnomAD exomes below 0.00001; ExAC 0.00001.
gnomAD v4.1: 1 of 1,605,948 alleles (0.000062%); no homozygotes.

Submission:

Victorian Clinical Genetics Services, Murdoch Childrens Research Institute
Classification: Uncertain significance for Pilarowski-Bjornsson syndrome. Last evaluated: 2022-06-24. Review status: criteria provided, single submitter. Criteria: ACMG Guidelines, 2015. Collection method: clinical testing. Allele origin: germline. Inheritance: Autosomal dominant inheritance. Affected: yes.
Comment: Based on the classification scheme VCGS_Germline_v1.3.4, this variant is classified as VUS-3B. Following criteria are met: 0105 - The mechanism of disease for this gene is not clearly established. However, dominant negative is a suggested mechanism (PMID: 28866611). (I) 0107 - This gene is associated with autosomal dominant disease. (I) 0200 - Variant is predicted to result in a missense amino acid change from arginine to cysteine. (I) 0251 - This variant is heterozygous. (I) 0302 - Variant is present in gnomAD (v2) <0.001 for a dominant condition (1 heterozygote, 0 homozygotes). (SP) 0501 - Missense variant consistently predicted to be damaging by multiple in silico tools or highly conserved with a major amino acid change. (SP) 0600 - Variant is located in the annotated ATPase domain (PMID: 28866611). (I) 0705 - No comparable missense variants have previous evidence for pathogenicity. (I) 0807 - This variant has no previous evidence of pathogenicity. (I) 0905 - No published segregation evidence has been identified for this variant. (I) 1007 - No published functional evidence has been identified for this variant. (I) 1208 - Inheritance information for this variant is not currently available in this individual. (I) Legend: (SP) - Supporting pathogenic, (I) - Information, (SB) - Supporting benign

Literature cited by the submitters: PubMed 28866611.

NM_001270.4(CHD1):c.2353C>T (p.Arg785Cys)

Gene: CHD1 (chromodomain helicase DNA binding protein 1; minus strand). Cytogenetic location: 5q15.
Variant type: single nucleotide variant.
Coding change: c.2353C>T on transcript NM_001270.4 (MANE Select); coding-DNA position 2353, C replaced by T.
Protein change: p.Arg785Cys; replaces arginine 785 with cysteine.
Molecular consequence: missense variant. On other transcripts: non-coding transcript variant (2).
Genome position (GRCh38, 1-based): chr5:98,888,231, G>A on the plus strand (C>T on the coding strand, the complement: CHD1 is on the minus strand). VCF-style: chr5-98888231-G-A. GRCh37 (hg19) VCF-style: chr5-98223935-G-A.
Other names: c.2353C>T, p.Arg785Cys (NM_001364113.3, NM_001376194.2); short protein forms R785C.
Identifiers: ClinVar variation 1699359 (VCV001699359.3), dbSNP rs781480692, ClinGen allele CA3356180.